The following is an entry in ClinVar:

ClinVar aggregate classification (germline): Uncertain significance (1 of 4 stars; one submission).

gnomAD v4.1: 7 of 1,564,148 alleles (0.00045%); highest among the groups gnomAD compares: Non-Finnish European, 0.00061%; no homozygotes.

Submission:

GeneDx
Classification: Uncertain significance. Last evaluated: 2025-07-27. Review status: criteria provided, single submitter. Criteria: GeneDx Variant Classification Process June 2021. Collection method: clinical testing. Allele origin: germline. Affected: yes.
Comment: In silico analysis supports that this missense variant has a deleterious effect on protein structure/function; Has not been previously published as pathogenic or benign to our knowledge

NM_006421.5(ARFGEF1):c.2237C>G (p.Thr746Ser)

Gene: ARFGEF1 (ARF guanine nucleotide exchange factor 1; minus strand). Cytogenetic location: 8q13.2.
Variant type: single nucleotide variant.
Coding change: c.2237C>G on transcript NM_006421.5 (MANE Select); coding-DNA position 2237, C replaced by G.
Protein change: p.Thr746Ser; replaces threonine 746 with serine.
Molecular consequence: missense variant. On other transcripts: non-coding transcript variant (1).
Genome position (GRCh38, 1-based): chr8:67,258,289, G>C on the plus strand (C>G on the coding strand, the complement: ARFGEF1 is on the minus strand). VCF-style: chr8-67258289-G-C. GRCh37 (hg19) VCF-style: chr8-68170524-G-C.
Other names: c.2237C>G, p.Thr746Ser (NM_001413184.1, NM_001413185.1, NM_001413186.1 and 7 more transcripts); c.1637C>G, p.Thr546Ser (NM_001413188.1, NM_001413193.1, NM_001413197.1); c.812C>G, p.Thr271Ser (NM_001413196.1); short protein forms T271S, T546S, T746S.
Identifiers: ClinVar variation 4689894 (VCV004689894.1).